The following is an entry in ClinVar:

NM_006767.4(LZTR1):c.1164G>C (p.Arg388Ser)

Gene: LZTR1 (leucine zipper like post translational regulator 1; plus strand). Cytogenetic location: 22q11.21.
Variant type: single nucleotide variant.
Coding change: c.1164G>C on transcript NM_006767.4 (MANE Select); coding-DNA position 1164, G replaced by C.
Protein change: p.Arg388Ser; replaces arginine 388 with serine.
Molecular consequence: missense variant.
Genome position (GRCh38, 1-based): chr22:20,992,808, G>C. VCF-style: chr22-20992808-G-C. GRCh37 (hg19) VCF-style: chr22-21347097-G-C.
Other names: c.1164G>C (NM_006767.3); short protein forms R388S.
Identifiers: ClinVar variation 2846623 (VCV002846623.4), dbSNP rs200801199, ClinGen allele CA410773659.

ClinVar aggregate classification (germline): Uncertain significance. Review status: criteria provided, multiple submitters, no conflicts (2 of 4 stars). 2 submissions from 2 submitters: Uncertain significance (2). Last evaluated 2026-05-14.

Conditions:
Cardiovascular phenotype. Identifiers: MedGen CN230736.
Hereditary cancer-predisposing syndrome. Also called: Hereditary neoplastic syndrome; Neoplastic Syndromes, Hereditary; Tumor predisposition; Hereditary Cancer Syndrome. Identifiers: Orphanet 140162, MedGen C0027672, MeSH D009386, MONDO:0015356.

Submissions (2):

Ambry Genetics
Classification: Uncertain significance for Cardiovascular phenotype; Hereditary cancer-predisposing syndrome. Last evaluated: 2026-05-14. Review status: criteria provided, single submitter. Criteria: Ambry Variant Classification Scheme 2023. Collection method: clinical testing. Allele origin: germline.
Comment: The p.R388S variant (also known as c.1164G>C), located in coding exon 11 of the LZTR1 gene, results from a G to C substitution at nucleotide position 1164. The arginine at codon 388 is replaced by serine, an amino acid with dissimilar properties. This amino acid position is conserved. In addition, this alteration is predicted to be deleterious by in silico analysis. Based on the available evidence, the clinical significance of this variant remains unclear.

Labcorp Genetics (formerly Invitae), Labcorp
Classification: Uncertain significance. Last evaluated: 2023-04-09. Review status: criteria provided, single submitter. Criteria: Invitae Variant Classification Sherloc (09022015). Collection method: clinical testing. Allele origin: germline.
Comment: In summary, the available evidence is currently insufficient to determine the role of this variant in disease. Therefore, it has been classified as a Variant of Uncertain Significance. Advanced modeling of protein sequence and biophysical properties (such as structural, functional, and spatial information, amino acid conservation, physicochemical variation, residue mobility, and thermodynamic stability) performed at Invitae indicates that this missense variant is not expected to disrupt LZTR1 protein function. This variant has not been reported in the literature in individuals affected with LZTR1-related conditions. This variant is not present in population databases (gnomAD no frequency). This sequence change replaces arginine, which is basic and polar, with serine, which is neutral and polar, at codon 388 of the LZTR1 protein (p.Arg388Ser).